The following is an entry in ClinVar:

NM_000748.3(CHRNB2):c.761T>G (p.Leu254Arg)

Gene: CHRNB2 (cholinergic receptor nicotinic beta 2 subunit; plus strand). Cytogenetic location: 1q21.3.
Variant type: single nucleotide variant.
Coding change: c.761T>G on transcript NM_000748.3 (MANE Select); coding-DNA position 761, T replaced by G.
Protein change: p.Leu254Arg; replaces leucine 254 with arginine.
Molecular consequence: missense variant.
Genome position (GRCh38, 1-based): chr1:154,571,584, T>G. VCF-style: chr1-154571584-T-G. GRCh37 (hg19) VCF-style: chr1-154544060-T-G.
Other names: short protein forms L254R.
Identifiers: ClinVar variation 5037275 (VCV005037275.1).
Genomic context (GRCh38, chr1:154,571,584, plus strand): 5'-CGCTCTTCTACACCATCAACCTCATCATCCCCTGTGTGCTCATCACCTCGCTAGCCATCC[T>G]TGTCTTCTACCTGCCATCCGACTGTGGCGAGAAGATGACGTTGTGCATCTCAGTGCTGCT-3'
Protein context (NP_000739.1, residues 244-264): PCVLITSLAI[Leu254Arg]VFYLPSDCGE

ClinVar aggregate classification (germline): Uncertain significance (1 of 4 stars; one submission).

Submission:

GeneDx
Classification: Uncertain significance. Last evaluated: 2026-04-15. Review status: criteria provided, single submitter. Criteria: GeneDx Variant Classification Process June 2021. Collection method: clinical testing. Allele origin: germline.
Comment: Not observed at significant frequency in large population cohorts (gnomAD); In silico analysis supports that this missense variant has a deleterious effect on protein structure/function; Has not been previously published as pathogenic or benign to our knowledge